The following is an entry in ClinVar:

NM_001805.4(CEBPE):c.189G>C (p.Ala63=)

Gene: CEBPE (CCAAT enhancer binding protein epsilon; minus strand). Cytogenetic location: 14q11.2.
Variant type: single nucleotide variant.
Coding change: c.189G>C on transcript NM_001805.4 (MANE Select); coding-DNA position 189, G replaced by C.
Protein change: p.Ala63=; no amino-acid change (alanine 63 retained).
Molecular consequence: synonymous variant.
Genome position (GRCh38, 1-based): chr14:23,118,903, C>G on the plus strand (G>C on the coding strand, the complement: CEBPE is on the minus strand). VCF-style: chr14-23118903-C-G. GRCh37 (hg19) VCF-style: chr14-23588112-C-G.
Identifiers: ClinVar variation 3061545 (VCV003061545.2), dbSNP rs199734343, ClinGen allele CA485759845.

ClinVar aggregate classification (germline): Likely benign (0 of 4 stars; one submission).

Conditions:
CEBPE-related disorder. Also called: CEBPE-related condition.

gnomAD v4.1: 2 of 1,613,998 alleles (0.00012%); highest among the groups gnomAD compares: Non-Finnish European, 0.00017%; no homozygotes.

Submission:

PreventionGenetics, part of Exact Sciences
Classification: Likely benign for CEBPE-related condition. Last evaluated: 2023-07-27. Review status: no assertion criteria provided. Collection method: clinical testing. Allele origin: germline.
Comment: This variant is classified as likely benign based on ACMG/AMP sequence variant interpretation guidelines (Richards et al. 2015 PMID: 25741868, with internal and published modifications).